The following is an entry in ClinVar:

NM_001128126.3(AP4S1):c.295-3C>A

Gene: AP4S1 (adaptor related protein complex 4 subunit sigma 1; plus strand). Cytogenetic location: 14q12.
Variant type: single nucleotide variant.
Coding change: c.295-3C>A on transcript NM_001128126.3 (MANE Select); 3 bases into the intron before coding-DNA position 295, C replaced by A.
Molecular consequence: intron variant.
Genome position (GRCh38, 1-based): chr14:31,080,570, C>A. VCF-style: chr14-31080570-C-A. GRCh37 (hg19) VCF-style: chr14-31549776-C-A.
Other names: c.295-3C>A (NM_001254729.2, NM_001254727.2, NM_007077.5 and 2 more transcripts); c.295-4199C>A (NM_001254726.2).
Identifiers: ClinVar variation 210218 (VCV000210218.23), dbSNP rs185246578, ClinGen allele CA205589.

ClinVar aggregate classification (germline): Pathogenic/Likely pathogenic. Review status: criteria provided, multiple submitters, no conflicts (2 of 4 stars). 9 submissions from 9 submitters: Pathogenic (2); Likely pathogenic (5). 2 of the submissions do not count toward it. Last evaluated 2024-12-17.

Conditions:
Spastic paraplegia. Identifiers: MedGen C0037772, HP:0001258.
Spastic Paraplegia 52. Identifiers: MedGen CN230088.
Hereditary spastic paraplegia 52 (SPG52). Also called: CEREBRAL PALSY, SPASTIC QUADRIPLEGIC, 6; SPASTIC PARAPLEGIA 52, AUTOSOMAL RECESSIVE. Identifiers: Orphanet 280763, MedGen C3279743, MONDO:0013552, OMIM 614067.

Allele frequency attached by ClinVar (database versions not stated): gnomAD exomes 0.00001; TOPMed 0.00001; ExAC 0.00002; gnomAD 0.00002 and 0.00003; 1000 Genomes Project 30x 0.00031; 1000 Genomes Project 0.00040.
gnomAD v4.1: 20 of 1,611,426 alleles (0.0012%); highest among the groups gnomAD compares: African/African-American, 0.017%; no homozygotes.

Submissions (9):

Victorian Clinical Genetics Services, Murdoch Childrens Research Institute
Classification: Likely pathogenic for Hereditary spastic paraplegia 52. Last evaluated: 2024-12-17. Review status: criteria provided, single submitter. Criteria: ACMG Guidelines, 2015. Collection method: clinical testing. Allele origin: germline. Affected: no.
Comment: This variant is classified as Likely pathogenic. Evidence in support of pathogenic classification: Non-canonical splice site variant without proven consequence on splicing. RNA studies have suggested that this variant leads to decreased expression of the canonical transcript NM_001128126 and increased expression of NM_001254726 (PMID: 31660686); Variant is present in gnomAD <0.01 for a recessive condition (v4: 20 heterozygote(s), 0 homozygote(s)); This variant has strong previous evidence of pathogenicity in unrelated individuals. It has been classified as pathogenic and likely pathogenic by multiple clinical laboratories (ClinVar) and has been reported in homozygous affected individuals (PMIDs: 31660686, 26297806, 32056211, 34374989); Abnormal splicing is predicted by in silico tool and affected nucleotide is highly conserved. Additional information: This variant is heterozygous; This gene is associated with autosomal recessive disease; No comparable splice site variants have previous evidence for pathogenicity; Loss of function is a known mechanism of disease in this gene and is associated with autosomal recessive spastic paraplegia 52 (MIM#614067).

Labcorp Genetics (formerly Invitae), Labcorp
Classification: Pathogenic for Spastic paraplegia. Last evaluated: 2024-11-05. Review status: criteria provided, single submitter. Criteria: Invitae Variant Classification Sherloc (09022015). Collection method: clinical testing. Allele origin: germline.
Comment: This sequence change falls in intron 4 of the AP4S1 gene. It does not directly change the encoded amino acid sequence of the AP4S1 protein. It affects a nucleotide within the consensus splice site. This variant is present in population databases (rs185246578, gnomAD 0.02%). This variant has been observed in individuals with clinical features of hereditary spastic paraplegia (PMID: 26297806, 31660686). It has also been observed to segregate with disease in related individuals. ClinVar contains an entry for this variant (Variation ID: 210218). Variants that disrupt the consensus splice site are a relatively common cause of aberrant splicing (PMID: 17576681, 9536098). Algorithms developed to predict the effect of sequence changes on RNA splicing suggest that this variant may disrupt the consensus splice site. For these reasons, this variant has been classified as Pathogenic.

Dubai Health Genomic Medicine Center, Dubai Health
Classification: Likely pathogenic for Spastic paraplegia 52. Last evaluated: 2024-10-04. Review status: criteria provided, single submitter. Criteria: ACMG Guidelines, 2015. Collection method: research. Allele origin: germline. Affected: yes.
Comment: PS3,PP1,PM2,PM3(strong)

Laboratorio de Genetica e Diagnostico Molecular, Hospital Israelita Albert Einstein
Classification: Pathogenic for Hereditary spastic paraplegia 52. Last evaluated: 2024-07-23. Review status: criteria provided, single submitter. Criteria: ACMG Guidelines, 2015. Collection method: clinical testing. Allele origin: germline. Affected: yes.
Comment: ACMG classification criteria: PVS1 very strong, PM2 supporting, PM3 moderate, PP1 supporting

GeneDx
Classification: Likely pathogenic. Last evaluated: 2022-04-07. Review status: criteria provided, single submitter. Criteria: GeneDx Variant Classification Process June 2021. Collection method: clinical testing. Allele origin: germline. Affected: yes.
Comment: Published RNA/functional studies demonstrate a damaging effect (McCullough et al., 2020); This variant is associated with the following publications: (PMID: 32056211, 26297806, 31660686, 17576681, 32979048)

Genetics and Molecular Pathology, SA Pathology
Classification: Likely pathogenic for Hereditary spastic paraplegia 52. Last evaluated: 2021-11-10. Review status: criteria provided, single submitter. Criteria: ACMG Guidelines, 2015. Collection method: clinical testing. Allele origin: germline. Affected: yes.

Tgen's Center for Rare Childhood Disorders, Translational Genomics Research Institute (tgen)
Classification: Likely pathogenic for Hereditary spastic paraplegia 52. Review status: criteria provided, single submitter. Criteria: McCullough CG et al. (Hum Mutat 2020). Collection method: clinical testing, research. Allele origin: inherited. Inheritance: Autosomal recessive inheritance. Affected: yes. Observed: 2 homozygotes. Functional consequence: sequence_variant_affecting_splicing.

Yale Center for Mendelian Genomics, Yale University
Classification: Likely pathogenic for Spastic paraplegia. Last evaluated: 2020-10-01. Review status: no assertion criteria provided. Collection method: literature only. Allele origin: germline. Affected: yes. Observed: 1 homozygote. Study: Yale Center for Mendelian Genomics. Not counted in ClinVar's aggregate classification.

Genetic Services Laboratory, University of Chicago
Classification: Uncertain significance. Last evaluated: 2015-03-19. Review status: flagged submission. Criteria: ACMG Guidelines, 2015. Collection method: clinical testing. Allele origin: germline. Not counted in ClinVar's aggregate classification.
ClinVar note: Reason: Outlier claim with insufficient supporting evidence

Literature cited by the submitters: PubMed 26297806 (cited by Victorian Clinical Genetics Services, Murdoch Childrens Research Institute and Labcorp Genetics (formerly Invitae), Labcorp); PubMed 32056211 (cited by Victorian Clinical Genetics Services, Murdoch Childrens Research Institute); PubMed 34374989 (cited by Victorian Clinical Genetics Services, Murdoch Childrens Research Institute); PubMed 31660686 (cited by Victorian Clinical Genetics Services, Murdoch Childrens Research Institute and Labcorp Genetics (formerly Invitae), Labcorp); PubMed 17576681 (cited by Labcorp Genetics (formerly Invitae), Labcorp); PubMed 9536098 (cited by Labcorp Genetics (formerly Invitae), Labcorp); PubMed 32979048 (cited by Yale Center for Mendelian Genomics, Yale University).